The following is an entry in ClinVar:

ClinVar aggregate classification (germline): Pathogenic (1 of 4 stars; one submission).

Submission:

Labcorp Genetics (formerly Invitae), Labcorp
Classification: Pathogenic. Last evaluated: 2021-08-11. Review status: criteria provided, single submitter. Criteria: Invitae Variant Classification Sherloc (09022015). Collection method: clinical testing. Allele origin: germline.
Comment: For these reasons, this variant has been classified as Pathogenic. This variant has not been reported in the literature in individuals affected with TGM1-related conditions. This variant is not present in population databases (ExAC no frequency). This sequence change creates a premature translational stop signal (p.Glu584*) in the TGM1 gene. It is expected to result in an absent or disrupted protein product. Loss-of-function variants in TGM1 are known to be pathogenic (PMID: 18948357, 19241467).

Literature cited by the submitters: PubMed 18948357; PubMed 19241467.

NM_000359.3(TGM1):c.1750G>T (p.Glu584Ter)

Gene: TGM1 (transglutaminase 1; minus strand). Cytogenetic location: 14q12.
Variant type: single nucleotide variant.
Coding change: c.1750G>T on transcript NM_000359.3 (MANE Select); coding-DNA position 1750, G replaced by T.
Protein change: p.Glu584Ter; replaces glutamic acid 584 with a stop codon.
Molecular consequence: nonsense.
Genome position (GRCh38, 1-based): chr14:24,255,149, C>A on the plus strand (G>T on the coding strand, the complement: TGM1 is on the minus strand). VCF-style: chr14-24255149-C-A. GRCh37 (hg19) VCF-style: chr14-24724355-C-A.
Other names: short protein forms E584*.
Identifiers: ClinVar variation 1392347 (VCV001392347.6), dbSNP rs533959758, ClinGen allele CA389251759.